The following is an entry in ClinVar:

NM_002471.4(MYH6):c.1628A>G (p.Lys543Arg)

Gene: MYH6 (myosin heavy chain 6; minus strand). Cytogenetic location: 14q11.2.
Variant type: single nucleotide variant.
Coding change: c.1628A>G on transcript NM_002471.4 (MANE Select); coding-DNA position 1628, A replaced by G.
Protein change: p.Lys543Arg; replaces lysine 543 with arginine.
Molecular consequence: missense variant.
Genome position (GRCh38, 1-based): chr14:23,398,991, T>C on the plus strand (A>G on the coding strand, the complement: MYH6 is on the minus strand). VCF-style: chr14-23398991-T-C. GRCh37 (hg19) VCF-style: chr14-23868200-T-C.
Other names: short protein forms K543R.
Identifiers: ClinVar variation 228888 (VCV000228888.54), dbSNP rs367663906, ClinGen allele CA7115735.

ClinVar aggregate classification (germline): Uncertain significance. Review status: criteria provided, multiple submitters, no conflicts (2 of 4 stars). 8 submissions from 8 submitters: Uncertain significance (6). 2 of the submissions do not count toward it. Last evaluated 2025-10-13.

Conditions:
MYH6-related disorder. Also called: MYH6-Related Disorders; MYH6-related condition.
Cardiovascular phenotype. Identifiers: MedGen CN230736.
Hypertrophic cardiomyopathy 14. Identifiers: MedGen C2750467, MONDO:0013197, OMIM 613251.
Dilated cardiomyopathy 1EE (CMD1EE). Identifiers: Orphanet 154, MedGen C2750466, MONDO:0013198, OMIM 613252.
Hypertrophic cardiomyopathy 1 (CMH1). Also called: MYH7-Related Familial Hypertrophic Cardiomyopathy; Familial hypertrophic cardiomyopathy 1. Identifiers: MedGen C3495498, MONDO:0008647, OMIM 192600.
Sick sinus syndrome 3, susceptibility to (SSS3). Identifiers: Orphanet 166282, MedGen C3279791, MONDO:0013568, OMIM 614090.
Atrial septal defect 3 (ASD3). Identifiers: Orphanet 1478, MedGen C3279790, MONDO:0013567, OMIM 614089.

Allele frequency attached by ClinVar (database versions not stated): gnomAD exomes 0.00004 and 0.00005; ExAC 0.00005; TOPMed 0.00005; gnomAD 0.00006; ESP Exome Variant Server 0.00008.
gnomAD v4.1: 76 of 1,613,992 alleles (0.0047%); highest among the groups gnomAD compares: Non-Finnish European, 0.0064%; no homozygotes.

Submissions (8):

Labcorp Genetics (formerly Invitae), Labcorp
Classification: Uncertain significance for Hypertrophic cardiomyopathy 14. Last evaluated: 2025-10-13. Review status: criteria provided, single submitter. Criteria: Invitae Variant Classification Sherloc (09022015). Collection method: clinical testing. Allele origin: germline.
Comment: This sequence change replaces lysine, which is basic and polar, with arginine, which is basic and polar, at codon 543 of the MYH6 protein (p.Lys543Arg). This variant is present in population databases (rs367663906, gnomAD 0.01%). This missense change has been observed in individual(s) with MYH6-related conditions (PMID: 22194935, 28416588, 28798025, 30847666). ClinVar contains an entry for this variant (Variation ID: 228888). Invitae Evidence Modeling of protein sequence and biophysical properties (such as structural, functional, and spatial information, amino acid conservation, physicochemical variation, residue mobility, and thermodynamic stability) indicates that this missense variant is not expected to disrupt MYH6 protein function with a negative predictive value of 80%. In summary, the available evidence is currently insufficient to determine the role of this variant in disease. Therefore, it has been classified as a Variant of Uncertain Significance.

Ambry Genetics
Classification: Uncertain significance for Cardiovascular phenotype. Last evaluated: 2025-06-10. Review status: criteria provided, single submitter. Criteria: Ambry Variant Classification Scheme 2023. Collection method: clinical testing. Allele origin: germline.
Comment: The p.K543R variant (also known as c.1628A>G), located in coding exon 13 of the MYH6 gene, results from an A to G substitution at nucleotide position 1628. The lysine at codon 543 is replaced by arginine, an amino acid with highly similar properties. This alteration has been reported in affected and unaffected family members in a family with atrial septal defect (Posch MG et al. PLoS One, 2011 Dec;6:e28872). This variant was detected in a cardiomyopathy genetic testing cohort and in a subject with left ventricular non-compaction (LVNC); however, clinical details were limited, and additional cardiac variants were detected in some cases (Miszalski-Jamka K et al. Circ Cardiovasc Genet, 2017 Aug;10:; van Lint FHM et al. Neth Heart J, 2019 Jun;27:304-309). This amino acid position is highly conserved in available vertebrate species. In addition, this alteration is predicted to be deleterious by in silico analysis. Since supporting evidence is limited at this time, the clinical significance of this alteration remains unclear.

CeGaT Center for Human Genetics Tuebingen
Classification: Uncertain significance. Last evaluated: 2023-08-01. Review status: criteria provided, single submitter. Criteria: CeGaT Center For Human Genetics Tuebingen Variant Classification Criteria Version 2. Collection method: clinical testing. Allele origin: germline. Affected: yes. Observed: 1 variant allele.

Fulgent Genetics
Classification: Uncertain significance for Hypertrophic cardiomyopathy 1; Hypertrophic cardiomyopathy 14; Dilated cardiomyopathy 1EE; Atrial septal defect 3; Sick sinus syndrome 3, susceptibility to. Last evaluated: 2021-09-15. Review status: criteria provided, single submitter. Criteria: ACMG Guidelines, 2015. Collection method: clinical testing. Allele origin: unknown.

GeneDx
Classification: Uncertain significance. Last evaluated: 2020-10-06. Review status: criteria provided, single submitter. Criteria: GeneDx Variant Classification Process June 2021. Collection method: clinical testing. Allele origin: germline. Affected: yes.
Comment: Reported previously in a family with atrial septal defects (Posch et al., 2011); Identified in a cohort of DCM patients (Dal Ferro et al., 2017) and was identified in a patient with LVNC who also harbored other cardiogenetic variants (Miszalski et al., 2017); Reported in ClinVar as a variant of uncertain significance (ClinVar Variant ID# 228888; Landrum et al., 2016); In silico analysis supports that this missense variant has a deleterious effect on protein structure/function; This variant is associated with the following publications: (PMID: 30847666, 28798025, 28416588, 26014430, 22194935)

Laboratory for Molecular Medicine, Mass General Brigham Personalized Medicine
Classification: Uncertain significance. Last evaluated: 2015-04-03. Review status: criteria provided, single submitter. Criteria: LMM Criteria. Collection method: clinical testing. Allele origin: germline. Observed: 2 variant alleles.
Comment: Two additional relatives also carried this variant; however these individua ls were unavailable for clinical evaluation (Posch 2011). In addition, this vari ant has been identified in 6/66734 European chromosomes by the Exome Aggregation Consortium (ExAC; dbSNP rs367663906). Computati onal prediction tools and conservation analysis do not provide strong support fo r or against an impact to the protein. In summary, the clinical significance of the p.Lys543Arg variant is uncertain.

Diagnostics Centre, Carl Von Ossietzky University Oldenburg
Classification: Uncertain significance for Dilated cardiomyopathy 1EE. Last evaluated: 2025-06-20. Review status: no assertion criteria provided. Collection method: clinical testing. Allele origin: germline. Affected: yes. Observed: 1 variant allele. Not counted in ClinVar's aggregate classification.
Comment: The variant MYH6:c.1628A>G p.(Lys543Arg)/, is located in coding exon 15 of the MYH6 gene and results from a adenine-to-guanine substitution at nucleotide position c.1628A. The lysine at protein position 543 is replaced by an arginine. Missense variants in this gene or the affected region are a known disease mechanism and are rare in the general population. The affected protein region has significant levels of missense constrain. In silico tools predict a significant deleterious effect in the protein structure/function (REVEL = 0,87). The variant has been classified as variant of uncertain significance in seven entries in ClinVar (VCV000228888.49). The variant is classified as rare in the general population (MAF 4.7 * e-5 in gnomAD). In summary, the variant is classified as a variant of uncertain significance.

PreventionGenetics, part of Exact Sciences
Classification: Uncertain significance for MYH6-related condition. Last evaluated: 2024-01-12. Review status: no assertion criteria provided. Collection method: clinical testing. Allele origin: germline. Not counted in ClinVar's aggregate classification.
Comment: The MYH6 c.1628A>G variant is predicted to result in the amino acid substitution p.Lys543Arg. This variant has been reported in a family with atrial septal defects (Posch et al. 2011. PubMed ID: 22194935) and in patients with dilated cardiomyopathy, hypertrophic cardiomyopathy, or left ventricular noncompaction (Table S1, Dal Ferro et al. 2017. PubMed ID: 28416588; Table S3, Miszalski-Jamka et al. 2017. PubMed ID: 28798025; Table S2, van Lint et al. 2019. PubMed ID: 30847666). This variant is reported in 0.0085% of alleles in individuals of European (Non-Finnish) descent in gnomAD. At this time, the clinical significance of this variant is uncertain due to the absence of conclusive functional and genetic evidence.

Literature cited by the submitters: PubMed 22194935 (cited by 3 submitters); PubMed 28416588 (cited by Labcorp Genetics (formerly Invitae), Labcorp); PubMed 28798025 (cited by Labcorp Genetics (formerly Invitae), Labcorp and Ambry Genetics); PubMed 30847666 (cited by Labcorp Genetics (formerly Invitae), Labcorp and Ambry Genetics).